The following is an entry in ClinVar:

ClinVar aggregate classification (germline): Uncertain significance (1 of 4 stars; one submission).

Conditions:
Inborn genetic diseases. Identifiers: MedGen C0950123, MeSH D030342.

gnomAD v4.1: 1 of 1,614,024 alleles (0.000062%); highest among the groups gnomAD compares: Non-Finnish European, 0.000085%; no homozygotes.

Submission:

Ambry Genetics
Classification: Uncertain significance for Inborn genetic diseases. Last evaluated: 2025-12-21. Review status: criteria provided, single submitter. Criteria: Ambry Variant Classification Scheme 2023. Collection method: clinical testing. Allele origin: germline.
Comment: The p.E871D variant (also known as c.2613G>C), located in coding exon 20 of the BUB1B gene, results from a G to C substitution at nucleotide position 2613. The glutamic acid at codon 871 is replaced by aspartic acid, an amino acid with highly similar properties. This amino acid position is conserved. In addition, this alteration is predicted to be tolerated by in silico analysis. Based on the available evidence, the clinical significance of this variant remains unclear.

NM_001211.6(BUB1B):c.2613G>C (p.Glu871Asp)

Gene: BUB1B (BUB1 mitotic checkpoint serine/threonine kinase B; plus strand). Cytogenetic location: 15q15.1.
Variant type: single nucleotide variant.
Coding change: c.2613G>C on transcript NM_001211.6 (MANE Select); coding-DNA position 2613, G replaced by C.
Protein change: p.Glu871Asp; replaces glutamic acid 871 with aspartic acid.
Molecular consequence: missense variant.
Genome position (GRCh38, 1-based): chr15:40,213,409, G>C. VCF-style: chr15-40213409-G-C. GRCh37 (hg19) VCF-style: chr15-40505610-G-C.
Other names: short protein forms E871D.
Identifiers: ClinVar variation 4842700 (VCV004842700.1).